The following is an entry in ClinVar:

NM_000540.3(RYR1):c.10851G>C (p.Lys3617Asn)

Gene: RYR1 (ryanodine receptor 1; plus strand). Cytogenetic location: 19q13.2.
Variant type: single nucleotide variant.
Coding change: c.10851G>C on transcript NM_000540.3 (MANE Select); coding-DNA position 10851, G replaced by C.
Protein change: p.Lys3617Asn; replaces lysine 3617 with asparagine.
Molecular consequence: missense variant.
Genome position (GRCh38, 1-based): chr19:38,528,332, G>C. VCF-style: chr19-38528332-G-C. GRCh37 (hg19) VCF-style: chr19-39018972-G-C.
Other names: c.10836G>C, p.Lys3612Asn (NM_001042723.2); short protein forms K3617N, K3612N.
Identifiers: ClinVar variation 946535 (VCV000946535.7), dbSNP rs867082264, ClinGen allele CA405649347.
Genomic context (GRCh38, chr19:38,528,332, plus strand): 5'-TGGGGATGTGACTGTCCTGCTATCCCCTCCCCAGACCGAGCACCCTTACAAGTCTAAGAA[G>C]GCCGTGTGGCACAAGCTTTTGTCCAAACAGCGCCGGCGGGCAGTCGTGGCCTGTTTCCGT-3'
Protein context (NP_000531.2, residues 3607-3627): DQTEHPYKSK[Lys3617Asn]AVWHKLLSKQ

ClinVar aggregate classification (germline): Uncertain significance (1 of 4 stars; one submission).

Conditions:
RYR1-related disorder. Also called: RYR1-related disorders; RYR1-related condition. Identifiers: MedGen CN239331.

Submission:

Labcorp Genetics (formerly Invitae), Labcorp
Classification: Uncertain significance for RYR1-related disorder. Last evaluated: 2022-08-09. Review status: criteria provided, single submitter. Criteria: Invitae Variant Classification Sherloc (09022015). Collection method: clinical testing. Allele origin: germline.
Comment: In summary, the available evidence is currently insufficient to determine the role of this variant in disease. Therefore, it has been classified as a Variant of Uncertain Significance. Algorithms developed to predict the effect of missense changes on protein structure and function are either unavailable or do not agree on the potential impact of this missense change (SIFT: "Deleterious"; PolyPhen-2: "Benign"; Align-GVGD: "Class C0"). ClinVar contains an entry for this variant (Variation ID: 946535). This sequence change replaces lysine, which is basic and polar, with asparagine, which is neutral and polar, at codon 3617 of the RYR1 protein (p.Lys3617Asn). This variant is not present in population databases (gnomAD no frequency). This variant has not been reported in the literature in individuals affected with RYR1-related conditions.